The following is an entry in ClinVar:

NM_005029.4(PITX3):c.661G>A (p.Gly221Ser)

Genes: GBF1 (golgi brefeldin A resistant guanine nucleotide exchange factor 1; plus strand), PITX3 (paired like homeodomain 3; minus strand). Cytogenetic location: 10q24.32.
Variant type: single nucleotide variant.
Coding change: c.661G>A on transcript NM_005029.4 (MANE Select); coding-DNA position 661, G replaced by A.
Protein change: p.Gly221Ser; replaces glycine 221 with serine.
Molecular consequence: missense variant. On other transcripts: 5 prime UTR variant (2).
Genome position (GRCh38, 1-based): chr10:102,230,762, C>T on the plus strand (G>A on the coding strand, the complement: PITX3 is on the minus strand). VCF-style: chr10-102230762-C-T. GRCh37 (hg19) VCF-style: chr10-103990519-C-T.
Other names: c.-165C>T (NM_001391923.1); c.-303C>T (NM_001391924.1); short protein forms G221S.
Identifiers: ClinVar variation 2894634 (VCV002894634.3), dbSNP rs1377696514, ClinGen allele CA378161100.
Genomic context (GRCh38, chr10:102,230,762, plus strand): 5'-AGGCATAAGGGCAGGACACGGCCCCGGAGGACACGGCGGCCGGAGCCAGCCCGGGGGGGC[C>T]CCCGCCCAGGCCCTGCAGGGCCCCAGGCCCTGGCACGGTGCCCGGGGCAGCCGCGGCGGA-3'
Protein context (NP_005020.1, residues 211-231): GPGALQGLGG[Gly221Ser]PPGLAPAAVS

ClinVar aggregate classification (germline): Uncertain significance (1 of 4 stars; one submission).

Allele frequency attached by ClinVar (database versions not stated): TOPMed below 0.00001.

Submission:

Labcorp Genetics (formerly Invitae), Labcorp
Classification: Uncertain significance. Last evaluated: 2023-07-29. Review status: criteria provided, single submitter. Criteria: Invitae Variant Classification Sherloc (09022015). Collection method: clinical testing. Allele origin: germline.
Comment: An algorithm developed to predict the effect of missense changes on protein structure and function (PolyPhen-2) suggests that this variant is likely to be disruptive. This variant has not been reported in the literature in individuals affected with PITX3-related conditions. This variant is not present in population databases (gnomAD no frequency). This sequence change replaces glycine, which is neutral and non-polar, with serine, which is neutral and polar, at codon 221 of the PITX3 protein (p.Gly221Ser). In summary, the available evidence is currently insufficient to determine the role of this variant in disease. Therefore, it has been classified as a Variant of Uncertain Significance.